The following is an entry in ClinVar:

ClinVar aggregate classification (germline): Pathogenic (1 of 4 stars; one submission).

Submission:

Quest Diagnostics Nichols Institute San Juan Capistrano
Classification: Pathogenic. Last evaluated: 2024-01-17. Review status: criteria provided, single submitter. Criteria: ACMG/ClinGen CNV Guidelines, 2019. Collection method: clinical testing. Allele origin: unknown.
Comment: This deletion involves several protein-coding genes, including NF1 (OMIM 613113), haploinsufficiency of which is associated with neurofibromatosis type 1 (OMIM 162200; HGNC:7765). Furthermore, this loss is consistent with the recurrent 17q11.2 deletion syndrome (OMIM 613675; ISCA-37431; Friedman 2022). There are no similar copy number losses of this region in the general populations of the Database of Genomic Variants. Therefore, this copy number variant (CNV) is classified as pathogenic. References: Friedman et al., GeneReviews [2022 Apr 21]. PMID: 20301288

GRCh37/hg19 17q11.2(chr17:29003358-30412788)x1

Genes: UTP6 (UTP6 small subunit processome component; minus strand), CRLF3 (cytokine receptor like factor 3; minus strand), ADAP2 (ArfGAP with dual PH domains 2; plus strand), ATAD5 (ATPase family AAA domain containing 5; plus strand), COPRS (coordinator of PRMT5 and differentiation stimulator; minus strand) and 10 more. Cytogenetic location: 17q11.2.
Variant type: copy number loss.
Change: copy number 1 (one copy instead of two) of chr17:29,003,358-30,412,788 (1.41 Mb, GRCh37 coordinates, 1-based), cytogenetic band 17q11.2.
Identifiers: ClinVar variation 564426 (VCV000564426.3).